The following is an entry in ClinVar:

ClinVar aggregate classification (germline): Uncertain significance (1 of 4 stars; one submission).

Conditions:
Progressive external ophthalmoplegia with mitochondrial DNA deletions, autosomal recessive 4. Also called: PROGRESSIVE EXTERNAL OPHTHALMOPLEGIA, AUTOSOMAL RECESSIVE 4; Adult-onset multiple mitochondrial DNA deletion syndrome due to DGUOK deficiency. Identifiers: Orphanet 329314, MedGen C4310733, MONDO:0014899, OMIM 617070.

Submission:

3billion
Classification: Uncertain significance for Progressive external ophthalmoplegia with mitochondrial DNA deletions, autosomal recessive 4. Last evaluated: 2022-03-22. Review status: criteria provided, single submitter. Criteria: ACMG Guidelines, 2015. Collection method: clinical testing. Allele origin: germline. Affected: yes. Observed: 1 homozygote.
Comment: The variant is observed at an extremely low frequency in the gnomAD v2.1.1 dataset (total allele frequency: 0.000004). Inframe deletion located in a nonrepeat region: predicted to change the length of the protein and disrupt normal protein function(PM4_M). Therefore, this variant is classified as uncertain significance according to the recommendation of ACMG/AMP guideline.

NM_080916.3(DGUOK):c.789AGA[1] (p.Glu264del)

Genes: DGUOK (deoxyguanosine kinase; plus strand), DGUOK-AS1 (DGUOK antisense RNA 1; minus strand). Cytogenetic location: 2p13.1.
Variant type: Microsatellite.
Coding change: c.789AGA[1] on transcript NM_080916.3 (MANE Select); one copy of the 3-base unit AGA starting at c.789; the reference has two copies in a row; one copy, 3 bases deleted; also written c.792_794del.
Protein change: p.Glu264del; deletes glutamic acid 264.
Molecular consequence: inframe deletion. On other transcripts: non-coding transcript variant (6).
Genome position (GRCh38, 1-based): chr2:73,958,230-73,958,232, AGA deleted; deleting any 3 consecutive bases within chr2:73,958,226-73,958,232 gives the same sequence; the position shown is the placement nearest the transcript's 3' end. VCF-style (leftmost placement, unchanged base first): chr2-73958225-CAAG-C. GRCh37 (hg19) VCF-style: chr2-74185352-CAAG-C.
Other names: c.507AGA[1], p.Glu170del (NM_001318859.2); c.498AGA[1], p.Glu167del (NM_001318860.2, NM_001318861.2); c.480AGA[1], p.Glu161del (NM_001318862.2, NM_001318863.2); c.525AGA[1], p.Glu176del (NM_080918.3); c.792_794del (NM_080916.3); short protein forms E161del, E167del, E170del, E176del, E264del.
Identifiers: ClinVar variation 1526089 (VCV001526089.1), dbSNP rs1396335431, ClinGen allele CA533695853.